The following is an entry in ClinVar:

NM_173500.4(TTBK2):c.321C>G (p.Ser107Arg)

Gene: TTBK2 (tau tubulin kinase 2; minus strand). Cytogenetic location: 15q15.2.
Variant type: single nucleotide variant.
Coding change: c.321C>G on transcript NM_173500.4 (MANE Select); coding-DNA position 321, C replaced by G.
Protein change: p.Ser107Arg; replaces serine 107 with arginine.
Molecular consequence: missense variant.
Genome position (GRCh38, 1-based): chr15:42,830,049, G>C on the plus strand (C>G on the coding strand, the complement: TTBK2 is on the minus strand). VCF-style: chr15-42830049-G-C. GRCh37 (hg19) VCF-style: chr15-43122247-G-C.
Other names: short protein forms S107R.
Identifiers: ClinVar variation 2964545 (VCV002964545.3), dbSNP rs775363097, ClinGen allele CA7517501.

ClinVar aggregate classification (germline): Uncertain significance (1 of 4 stars; one submission).

Allele frequency attached by ClinVar (database versions not stated): gnomAD exomes below 0.00001; ExAC 0.00001; TOPMed 0.00001.
gnomAD v4.1: 2 of 1,614,138 alleles (0.00012%); highest among the groups gnomAD compares: Admixed American, 0.0017%; no homozygotes.

Submission:

Labcorp Genetics (formerly Invitae), Labcorp
Classification: Uncertain significance. Last evaluated: 2023-07-28. Review status: criteria provided, single submitter. Criteria: Invitae Variant Classification Sherloc (09022015). Collection method: clinical testing. Allele origin: germline.
Comment: This variant is present in population databases (rs775363097, gnomAD 0.003%). In summary, the available evidence is currently insufficient to determine the role of this variant in disease. Therefore, it has been classified as a Variant of Uncertain Significance. Advanced modeling of protein sequence and biophysical properties (such as structural, functional, and spatial information, amino acid conservation, physicochemical variation, residue mobility, and thermodynamic stability) performed at Invitae indicates that this missense variant is expected to disrupt TTBK2 protein function. This variant has not been reported in the literature in individuals affected with TTBK2-related conditions. This sequence change replaces serine, which is neutral and polar, with arginine, which is basic and polar, at codon 107 of the TTBK2 protein (p.Ser107Arg).